The following is an entry in ClinVar:

NM_012452.3(TNFRSF13B):c.283C>G (p.Gln95Glu)

Gene: TNFRSF13B (TNF receptor superfamily member 13B; minus strand). Cytogenetic location: 17p11.2.
Variant type: single nucleotide variant.
Coding change: c.283C>G on transcript NM_012452.3 (MANE Select); coding-DNA position 283, C replaced by G.
Protein change: p.Gln95Glu; replaces glutamine 95 with glutamic acid.
Molecular consequence: missense variant.
Genome position (GRCh38, 1-based): chr17:16,948,900, G>C on the plus strand (C>G on the coding strand, the complement: TNFRSF13B is on the minus strand). VCF-style: chr17-16948900-G-C. GRCh37 (hg19) VCF-style: chr17-16852214-G-C.
Other names: short protein forms Q95E.
Identifiers: ClinVar variation 1056901 (VCV001056901.6), dbSNP rs549493928, ClinGen allele CA8414053.
Genomic context (GRCh38, chr17:16,948,900, plus strand): 5'-GAAGGTTCACTGGGCTCCTGAGCTTGTTCTCACAGAAGTATGCACATTGCTTAGGGTGCT[G>C]TCCACAGATGGAGGCACAGCTGATGCAGTCCCTCAGGAGATGGTCATAGAACTTGCCTTG-3'
Protein context (NP_036584.1, residues 85-105): DCISCASICG[Gln95Glu]HPKQCAYFCE

ClinVar aggregate classification (germline): Uncertain significance. Review status: criteria provided, multiple submitters, no conflicts (2 of 4 stars). 2 submissions from 2 submitters: Uncertain significance (2). Last evaluated 2022-12-17.

Conditions:
Immunodeficiency, common variable, 2 (CVID2). Also called: ANTIBODY DEFICIENCY DUE TO TACI DEFECT; HYPOGAMMAGLOBULINEMIA DUE TO TACI DEFICIENCY. Identifiers: Orphanet 1572, MedGen C3150354, MONDO:0009413, OMIM 240500.

Allele frequency attached by ClinVar (database versions not stated): ExAC 0.00001; gnomAD 0.00001; gnomAD exomes 0.00002.
gnomAD v4.1: 14 of 1,614,112 alleles (0.00087%); highest among the groups gnomAD compares: South Asian, 0.014%; no homozygotes.

Submissions (2):

Dubai Health Genomic Medicine Center, Dubai Health
Classification: Uncertain significance. Last evaluated: 2022-12-17. Review status: criteria provided, single submitter. Criteria: ACMG Guidelines, 2015. Collection method: clinical testing. Allele origin: germline. Affected: yes.

Labcorp Genetics (formerly Invitae), Labcorp
Classification: Uncertain significance for Immunodeficiency, common variable, 2. Last evaluated: 2020-07-13. Review status: criteria provided, single submitter. Criteria: Invitae Variant Classification Sherloc (09022015). Collection method: clinical testing. Allele origin: germline.
Comment: In summary, the available evidence is currently insufficient to determine the role of this variant in disease. Therefore, it has been classified as a Variant of Uncertain Significance. Algorithms developed to predict the effect of missense changes on protein structure and function are either unavailable or do not agree on the potential impact of this missense change (SIFT: "Deleterious"; PolyPhen-2: "Possibly Damaging"; Align-GVGD: "Class C0"). This variant has not been reported in the literature in individuals with TNFRSF13B-related conditions. This variant is present in population databases (rs549493928, ExAC 0.006%). This sequence change replaces glutamine with glutamic acid at codon 95 of the TNFRSF13B protein (p.Gln95Glu). The glutamine residue is moderately conserved and there is a small physicochemical difference between glutamine and glutamic acid.